The following is an entry in ClinVar:

ClinVar aggregate classification (germline): Uncertain significance. Review status: criteria provided, multiple submitters, no conflicts (2 of 4 stars). 3 submissions from 3 submitters: Uncertain significance (3). Last evaluated 2022-07-28.

Conditions:
Dilated cardiomyopathy 1CC (CMD1CC). Identifiers: Orphanet 154, MedGen C2751084, MONDO:0013147, OMIM 613122.
Hypertrophic cardiomyopathy 20. Identifiers: MedGen C3151267, MONDO:0013477, OMIM 613876.
Cardiomyopathy (CMYO). Also called: Cardiomyopathies. Identifiers: Orphanet 167848, MedGen C0878544, MONDO:0004994, HP:0001638. Inheritance: Various modes of inheritance.

Allele frequency attached by ClinVar (database versions not stated): TOPMed below 0.00001; gnomAD exomes 0.00001; ExAC 0.00002.
gnomAD v4.1: 15 of 1,613,892 alleles (0.00093%); highest among the groups gnomAD compares: African/African-American, 0.0013%; no homozygotes.

Submissions (3):

Labcorp Genetics (formerly Invitae), Labcorp
Classification: Uncertain significance for Dilated cardiomyopathy 1CC; Hypertrophic cardiomyopathy 20. Last evaluated: 2022-07-28. Review status: criteria provided, single submitter. Criteria: Invitae Variant Classification Sherloc (09022015). Collection method: clinical testing. Allele origin: germline.
Comment: In summary, the available evidence is currently insufficient to determine the role of this variant in disease. Therefore, it has been classified as a Variant of Uncertain Significance. Variants that disrupt the consensus splice site are a relatively common cause of aberrant splicing (PMID: 17576681, 9536098). Algorithms developed to predict the effect of sequence changes on RNA splicing suggest that this variant is not likely to affect RNA splicing. ClinVar contains an entry for this variant (Variation ID: 47904). This variant has not been reported in the literature in individuals affected with NEXN-related conditions. This variant is present in population databases (rs397517856, gnomAD 0.003%). This sequence change falls in intron 4 of the NEXN gene. It does not directly change the encoded amino acid sequence of the NEXN protein. It affects a nucleotide within the consensus splice site.

CHEO Genetics Diagnostic Laboratory, Children's Hospital of Eastern Ontario
Classification: Uncertain significance for Cardiomyopathy. Last evaluated: 2020-08-31. Review status: criteria provided, single submitter. Criteria: ACMG Guidelines, 2015. Collection method: clinical testing. Allele origin: germline.

Laboratory for Molecular Medicine, Mass General Brigham Personalized Medicine
Classification: Uncertain significance. Last evaluated: 2013-02-08. Review status: criteria provided, single submitter. Criteria: LMM Criteria. Collection method: clinical testing. Allele origin: germline. Observed: 1 variant allele.
Comment: The 299-3T>C variant in NEXN has not been reported in the literature nor previou sly identified by our laboratory. This variant has also not been identified in large European American and African American populations by the NHLBI Exome Sequ encing Project, though it may be common in ot her populations. This variant is located in the 3' splice region. Computational tools do not suggest an impact to splicing. However, this information is not pr edictive enough to rule out pathogenicity. Additional studies are needed to full y assess its clinical significance.

Literature cited by the submitters: PubMed 17576681 (cited by Labcorp Genetics (formerly Invitae), Labcorp); PubMed 9536098 (cited by Labcorp Genetics (formerly Invitae), Labcorp).

NM_144573.4(NEXN):c.299-3T>C

Genes: NEXN (nexilin F-actin binding protein; plus strand), LOC126805765 (BRD4-independent group 4 enhancer GRCh37_chr1:78383688-78384887; plus strand). Cytogenetic location: 1p31.1.
Variant type: single nucleotide variant.
Coding change: c.299-3T>C on transcript NM_144573.4 (MANE Select); 3 bases into the intron before coding-DNA position 299, T replaced by C.
Molecular consequence: intron variant.
Genome position (GRCh38, 1-based): chr1:77,918,122, T>C. VCF-style: chr1-77918122-T-C. GRCh37 (hg19) VCF-style: chr1-78383807-T-C.
Other names: c.107-3T>C (NM_001172309.2).
Identifiers: ClinVar variation 47904 (VCV000047904.12), dbSNP rs397517856, ClinGen allele CA142153.